The following is an entry in ClinVar:

NM_001079802.2(FKTN):c.*786T>G

Gene: FKTN (fukutin; plus strand). Cytogenetic location: 9q31.2.
Variant type: single nucleotide variant.
Coding change: c.*786T>G on transcript NM_001079802.2 (MANE Select); 786 bases downstream of the stop codon, T replaced by G.
Molecular consequence: 3 prime UTR variant. On other transcripts: non-coding transcript variant (2), intron variant (1).
Genome position (GRCh38, 1-based): chr9:105,636,050, T>G. VCF-style: chr9-105636050-T-G. GRCh37 (hg19) VCF-style: chr9-108398331-T-G.
Other names: c.*786T>G (NM_001351501.2, NM_001351502.2, NM_006731.2 and 4 more transcripts); c.1270+902T>G (NM_001198963.2); c.*964T>G (NM_001351498.2).
Identifiers: ClinVar variation 364493 (VCV000364493.8), dbSNP rs10978177, ClinGen allele CA10632143.

ClinVar aggregate classification (germline): Benign/Likely benign. Review status: criteria provided, multiple submitters, no conflicts (2 of 4 stars). 4 submissions from 3 submitters: Benign (2); Likely benign (2). Last evaluated 2021-05-11.

Conditions:
Muscular dystrophy-dystroglycanopathy (congenital with brain and eye anomalies), type A, 4 (MDDGA4). Also called: WALKER-WARBURG SYNDROME OR MUSCLE-EYE-BRAIN DISEASE, FKTN-RELATED; Walker-Warburg Syndrome, Fktn-Related; Congenital muscular dystrophy-dystroglycanopathy with brain and eye anomalies, type A4; Muscular dystrophy, congenital progressive, with mental retardation; Muscular dystrophy, congenital, with central nervous system involvement; Cerebromuscular dystrophy, Fukuyama type. Identifiers: Orphanet 272, Orphanet 588, Orphanet 899, MedGen C0410174, MONDO:0009678, OMIM 253800.
Dilated cardiomyopathy 1X (CMD1X). Also called: FKTN-Related Dilated Cardiomyopathy; CARDIOMYOPATHY, DILATED, WITH MILD OR NO PROXIMAL MUSCLE WEAKNESS. Identifiers: Orphanet 154, MedGen C1969024, MONDO:0012704, OMIM 611615.

Allele frequency attached by ClinVar (database versions not stated): gnomAD 0.12279; TOPMed 0.12809; 1000 Genomes Project 30x 0.20284; 1000 Genomes Project 0.21026.
gnomAD v4.1: 107,043 of 984,874 alleles (11%); highest among the groups gnomAD compares: East Asian, 46%; 6,571 homozygotes.

Submissions (4):

GeneDx
Classification: Benign. Last evaluated: 2021-05-11. Review status: criteria provided, single submitter. Criteria: GeneDx Variant Classification Process June 2021. Collection method: clinical testing. Allele origin: germline. Affected: yes.

Illumina Laboratory Services, Illumina
Classification: Likely benign for Dilated cardiomyopathy 1X. Last evaluated: 2018-01-13. Review status: criteria provided, single submitter. Criteria: ICSL Variant Classification Criteria 13 December 2019. Collection method: clinical testing. Allele origin: germline.
Comment: This variant was observed in the ICSL laboratory as part of a predisposition screen in an ostensibly healthy population. It had not been previously curated by ICSL or reported in the Human Gene Mutation Database (HGMD: prior to June 1st, 2018), and was therefore a candidate for classification through an automated scoring system. Utilizing variant allele frequency, disease prevalence and penetrance estimates, and inheritance mode, an automated score was calculated to assess if this variant is too frequent to cause the disease. Based on the score and internal cut-off values, a variant classified as likely benign is not then subjected to further curation. The score for this variant resulted in a classification of likely benign for this disease.

Illumina Laboratory Services, Illumina
Classification: Benign for Muscular dystrophy-dystroglycanopathy (congenital with brain and eye anomalies), type A, 4. Last evaluated: 2018-01-13. Review status: criteria provided, single submitter. Criteria: ICSL Variant Classification Criteria 13 December 2019. Collection method: clinical testing. Allele origin: germline.
Comment: This variant was observed in the ICSL laboratory as part of a predisposition screen in an ostensibly healthy population. It had not been previously curated by ICSL or reported in the Human Gene Mutation Database (HGMD: prior to June 1st, 2018), and was therefore a candidate for classification through an automated scoring system. Utilizing variant allele frequency, disease prevalence and penetrance estimates, and inheritance mode, an automated score was calculated to assess if this variant is too frequent to cause the disease. Based on the score and internal cut-off values, a variant classified as benign is not then subjected to further curation. The score for this variant resulted in a classification of benign for this disease.

Breakthrough Genomics
Classification: Likely benign. Review status: criteria provided, single submitter. Criteria: ACMG Guidelines, 2015. Collection method: not provided. Allele origin: germline. Inheritance: Autosomal recessive inheritance. Affected: yes.